The following is an entry in ClinVar:

NM_001376.5(DYNC1H1):c.503C>G (p.Ser168Cys)

Gene: DYNC1H1 (dynein cytoplasmic 1 heavy chain 1; plus strand). Cytogenetic location: 14q32.31.
Variant type: single nucleotide variant.
Coding change: c.503C>G on transcript NM_001376.5 (MANE Select); coding-DNA position 503, C replaced by G.
Protein change: p.Ser168Cys; replaces serine 168 with cysteine.
Molecular consequence: missense variant.
Genome position (GRCh38, 1-based): chr14:101,979,477, C>G. VCF-style: chr14-101979477-C-G. GRCh37 (hg19) VCF-style: chr14-102445814-C-G.
Other names: short protein forms S168C.
Identifiers: ClinVar variation 539769 (VCV000539769.8), dbSNP rs1321265961, ClinGen allele CA391007922.
Genomic context (GRCh38, chr14:101,979,477, plus strand): 5'-CTTTGCATTCTTTCATTAGCAATGCAGTGGCTCCTTTTTTTAAGTCCTACATTAGAGAGT[C>G]TGGCAAGGCAGACAGGTAAAAACTGTGGTTTGAATGTTATATTTCACTTAATGTTCACAA-3'
Protein context (NP_001367.2, residues 158-178): APFFKSYIRE[Ser168Cys]GKADRDGDKM

ClinVar aggregate classification (germline): Uncertain significance (1 of 4 stars; one submission).

Conditions:
Charcot-Marie-Tooth disease axonal type 2O. Also called: CHARCOT-MARIE-TOOTH NEUROPATHY, AXONAL, TYPE 2O; CHARCOT-MARIE-TOOTH DISEASE, AXONAL, AUTOSOMAL DOMINANT, TYPE 2O; Charcot-Marie-Tooth Neuropathy Type 2O; Charcot-Marie-Tooth disease, axonal, type 20. Identifiers: Orphanet 284232, MedGen C3280220, MONDO:0013644, OMIM 614228.

Allele frequency attached by ClinVar (database versions not stated): gnomAD exomes below 0.00001; gnomAD 0.00001; TOPMed 0.00001.
gnomAD v4.1: 3 of 1,613,976 alleles (0.00019%); highest among the groups gnomAD compares: African/African-American, 0.004%; no homozygotes.

Submission:

Labcorp Genetics (formerly Invitae), Labcorp
Classification: Uncertain significance for Charcot-Marie-Tooth disease axonal type 2O. Last evaluated: 2017-12-10. Review status: criteria provided, single submitter. Criteria: Invitae Variant Classification Sherloc (09022015). Collection method: clinical testing. Allele origin: germline.
Comment: This sequence change replaces serine with cysteine at codon 168 of the DYNC1H1 protein (p.Ser168Cys). The serine residue is highly conserved and there is a moderate physicochemical difference between serine and cysteine. In summary, the available evidence is currently insufficient to determine the role of this variant in disease. Therefore, it has been classified as a Variant of Uncertain Significance. Algorithms developed to predict the effect of missense changes on protein structure and function do not agree on the potential impact of this missense change (SIFT: "Deleterious"; PolyPhen-2: "Possibly Damaging"; Align-GVGD: "Class C0"). This variant has not been reported in the literature in individuals with DYNC1H1-related disease. This variant is not present in population databases (ExAC no frequency).